The following is an entry in ClinVar:

ClinVar aggregate classification (germline): Uncertain significance. Review status: criteria provided, multiple submitters, no conflicts (2 of 4 stars). 3 submissions from 3 submitters: Uncertain significance (3). Last evaluated 2026-01-25.

Conditions:
Danon disease. Also called: PSEUDOGLYCOGENOSIS II; GSD IIb; LYSOSOMAL GLYCOGEN STORAGE DISEASE WITHOUT ACID MALTASE DEFICIENCY; ANTOPOL DISEASE; Glycogen Storage Disease Type IIb. Identifiers: Orphanet 34587, MedGen C0878677, MONDO:0010281, OMIM 300257.

Allele frequency attached by ClinVar (database versions not stated): gnomAD exomes below 0.00001; TOPMed 0.00002.
gnomAD v4.1: 4 of 1,208,232 alleles (0.00033%); highest among the groups gnomAD compares: Non-Finnish European, 0.00045%; no homozygotes.

Submissions (3):

Labcorp Genetics (formerly Invitae), Labcorp
Classification: Uncertain significance for Danon disease. Last evaluated: 2026-01-25. Review status: criteria provided, single submitter. Criteria: Invitae Variant Classification Sherloc (09022015). Collection method: clinical testing. Allele origin: germline.
Comment: This sequence change replaces threonine, which is neutral and polar, with serine, which is neutral and polar, at codon 244 of the LAMP2 protein (p.Thr244Ser). This variant is present in population databases (no rsID available, gnomAD 0.02%), including at least one homozygous and/or hemizygous individual. This variant has not been reported in the literature in individuals affected with LAMP2-related conditions. ClinVar contains an entry for this variant (Variation ID: 852704). Invitae Evidence Modeling of protein sequence and biophysical properties (such as structural, functional, and spatial information, amino acid conservation, physicochemical variation, residue mobility, and thermodynamic stability) indicates that this missense variant is not expected to disrupt LAMP2 protein function with a negative predictive value of 80%. In summary, the available evidence is currently insufficient to determine the role of this variant in disease. Therefore, it has been classified as a Variant of Uncertain Significance.

Fulgent Genetics
Classification: Uncertain significance for Danon disease. Last evaluated: 2021-10-06. Review status: criteria provided, single submitter. Criteria: ACMG Guidelines, 2015. Collection method: clinical testing. Allele origin: unknown.

Institute of Human Genetics, University of Leipzig Medical Center
Classification: Uncertain significance for Danon disease. Last evaluated: 2020-09-28. Review status: criteria provided, single submitter. Criteria: ACMG Guidelines, 2015. Collection method: clinical testing. Allele origin: unknown. Affected: yes.

NM_002294.3(LAMP2):c.731C>G (p.Thr244Ser)

Gene: LAMP2 (lysosome associated membrane protein 2; minus strand). Cytogenetic location: Xq24.
Variant type: single nucleotide variant.
Coding change: c.731C>G on transcript NM_002294.3 (MANE Select); coding-DNA position 731, C replaced by G.
Protein change: p.Thr244Ser; replaces threonine 244 with serine.
Molecular consequence: missense variant.
Genome position (GRCh38, 1-based): chrX:120,447,851, G>C on the plus strand (C>G on the coding strand, the complement: LAMP2 is on the minus strand). VCF-style: chrX-120447851-G-C. GRCh37 (hg19) VCF-style: chrX-119581706-G-C.
Other names: c.731C>G, p.Thr244Ser (NM_001122606.1, NM_013995.2); short protein forms T244S.
Identifiers: ClinVar variation 852704 (VCV000852704.12), dbSNP rs1288096114, ClinGen allele CA414401175.